The following is an entry in ClinVar:

ClinVar aggregate classification (germline): Uncertain significance (1 of 4 stars; one submission).

Conditions:
Cardiovascular phenotype. Identifiers: MedGen CN230736.

Submission:

Ambry Genetics
Classification: Uncertain significance for Cardiovascular phenotype. Last evaluated: 2026-03-03. Review status: criteria provided, single submitter. Criteria: Ambry Variant Classification Scheme 2023. Collection method: clinical testing. Allele origin: germline.
Comment: The p.E743A variant (also known as c.2228A>C), located in coding exon 14 of the SCN10A gene, results from an A to C substitution at nucleotide position 2228. The glutamic acid at codon 743 is replaced by alanine, an amino acid with dissimilar properties. This amino acid position is highly conserved in available vertebrate species. In addition, this alteration is predicted to be deleterious by in silico analysis. The evidence for this gene-disease relationship is limited; therefore, the clinical significance of this variant is unclear.

NM_006514.4(SCN10A):c.2228A>C (p.Glu743Ala)

Gene: SCN10A (sodium voltage-gated channel alpha subunit 10; minus strand). Cytogenetic location: 3p22.2.
Variant type: single nucleotide variant.
Coding change: c.2228A>C on transcript NM_006514.4 (MANE Select); coding-DNA position 2228, A replaced by C.
Protein change: p.Glu743Ala; replaces glutamic acid 743 with alanine.
Molecular consequence: missense variant.
Genome position (GRCh38, 1-based): chr3:38,739,567, T>G on the plus strand (A>C on the coding strand, the complement: SCN10A is on the minus strand). VCF-style: chr3-38739567-T-G. GRCh37 (hg19) VCF-style: chr3-38781058-T-G.
Other names: c.2228A>C, p.Glu743Ala (NM_001293306.2); c.1934A>C, p.Glu645Ala (NM_001293307.2); short protein forms E743A, E645A.
Identifiers: ClinVar variation 4826130 (VCV004826130.1).